The following is an entry in ClinVar:

ClinVar aggregate classification (germline): Uncertain significance. Review status: criteria provided, multiple submitters, no conflicts (2 of 4 stars). 3 submissions from 3 submitters: Uncertain significance (3). Last evaluated 2022-08-12.

Conditions:
Chondrodysplasia punctata, brachytelephalangic, autosomal. Also called: BRACHYTELEPHALANGIC CHONDRODYSPLASIA PUNCTATA. Identifiers: MedGen C1844853, MONDO:0011238, OMIM 602497.

Submissions (3):

GeneDx
Classification: Uncertain significance. Last evaluated: 2022-08-12. Review status: criteria provided, single submitter. Criteria: GeneDx Variant Classification Process June 2021. Collection method: clinical testing. Allele origin: germline. Affected: yes.
Comment: Not observed at a significant frequency in large population cohorts (gnomAD); In silico analysis supports that this missense variant has a deleterious effect on protein structure/function; Has not been previously published as pathogenic or benign to our knowledge

Women's Health and Genetics/Laboratory Corporation of America, LabCorp
Classification: Uncertain significance. Last evaluated: 2021-01-19. Review status: criteria provided, single submitter. Criteria: LabCorp Variant Classification Summary - May 2015. Collection method: clinical testing. Allele origin: germline.
Comment: Variant summary: ARSL c.1672C>A (p.Gln558Lys) results in a conservative amino acid change in the encoded protein sequence. Four of five in-silico tools predict a damaging effect of the variant on protein function. The variant was absent in 179983 control chromosomes. The available data on variant occurrences in the general population are insufficient to allow any conclusion about variant significance. To our knowledge, no occurrence of c.1672C>A in individuals affected with Chondrodysplasia Punctata 1, X-Linked Recessive and no experimental evidence demonstrating its impact on protein function have been reported. No clinical diagnostic laboratories have submitted clinical-significance assessments for this variant to ClinVar after 2014. Based on the evidence outlined above, the variant was classified as uncertain significance.

Labcorp Genetics (formerly Invitae), Labcorp
Classification: Uncertain significance for Chondrodysplasia punctata, brachytelephalangic, autosomal. Last evaluated: 2020-04-06. Review status: criteria provided, single submitter. Criteria: Invitae Variant Classification Sherloc (09022015). Collection method: clinical testing. Allele origin: germline.
Comment: In summary, the available evidence is currently insufficient to determine the role of this variant in disease. Therefore, it has been classified as a Variant of Uncertain Significance. Algorithms developed to predict the effect of missense changes on protein structure and function are either unavailable or do not agree on the potential impact of this missense change (SIFT: "Tolerated"; PolyPhen-2: "Probably Damaging"; Align-GVGD: "Class C0"). This variant has not been reported in the literature in individuals with ARSE-related conditions. This variant is not present in population databases (ExAC no frequency). This sequence change replaces glutamine with lysine at codon 558 of the ARSE protein (p.Gln558Lys). The glutamine residue is moderately conserved and there is a small physicochemical difference between glutamine and lysine.

NM_000047.3(ARSL):c.1672C>A (p.Gln558Lys)

Gene: ARSL (arylsulfatase L; minus strand). Cytogenetic location: Xp22.33.
Variant type: single nucleotide variant.
Coding change: c.1672C>A on transcript NM_000047.3 (MANE Select); coding-DNA position 1672, C replaced by A.
Protein change: p.Gln558Lys; replaces glutamine 558 with lysine.
Molecular consequence: missense variant.
Genome position (GRCh38, 1-based): chrX:2,934,930, G>T on the plus strand (C>A on the coding strand, the complement: ARSL is on the minus strand). VCF-style: chrX-2934930-G-T. GRCh37 (hg19) VCF-style: chrX-2852971-G-T.
Other names: c.1747C>A, p.Gln583Lys (NM_001282628.2, NM_001369080.1); c.1510C>A, p.Gln504Lys (NM_001282631.2); c.1699C>A, p.Gln567Lys (NM_001369079.1); short protein forms Q558K, Q567K, Q504K, Q583K.
Identifiers: ClinVar variation 917686 (VCV000917686.13), dbSNP rs2089175161, ClinGen allele CA412275244.